The following is an entry in ClinVar:

ClinVar aggregate classification (germline): Pathogenic (1 of 4 stars; one submission).

Conditions:
Primary hyperoxaluria type 3. Also called: PH III. Identifiers: Orphanet 416, Orphanet 93600, MedGen C3150878, MONDO:0013327, OMIM 613616. Disease mechanism: loss of function.

Submission:

Clinical Biochemistry Laboratory, Health Services Laboratory
Classification: Pathogenic for Primary hyperoxaluria type 3. Last evaluated: 2023-10-27. Review status: criteria provided, single submitter. Criteria: ACMG Guidelines, 2015. Collection method: curation. Allele origin: germline.
Comment: ACMG:PVS1 PM2 PP3

NM_138413.4(HOGA1):c.238G>T (p.Glu80Ter)

Gene: HOGA1 (4-hydroxy-2-oxoglutarate aldolase 1; plus strand). Cytogenetic location: 10q24.2.
Variant type: single nucleotide variant.
Coding change: c.238G>T on transcript NM_138413.4 (MANE Select); coding-DNA position 238, G replaced by T.
Protein change: p.Glu80Ter; replaces glutamic acid 80 with a stop codon.
Molecular consequence: nonsense. On other transcripts: intron variant (1).
Genome position (GRCh38, 1-based): chr10:97,598,801, G>T. VCF-style: chr10-97598801-G-T. GRCh37 (hg19) VCF-style: chr10-99358558-G-T.
Other names: c.212-3056G>T (NM_001134670.2); short protein forms E80*.
Identifiers: ClinVar variation 2664383 (VCV002664383.1), dbSNP rs772441887, ClinGen allele CA377976805.
Genomic context (GRCh38, chr10:97,598,801, plus strand): 5'-ATGGGAAGGAGTTAGTCAGCTGTGTCTCTTGCAGGCTTCGTGGTCCAGGGCTCCAATGGC[G>T]AGTTTCCTTTCCTGACCAGCAGTGAGCGCCTCGAGGTGGTGAGCCGTGTGCGCCAGGCCA-3'